The following is an entry in ClinVar:

NM_000141.5(FGFR2):c.469A>G (p.Thr157Ala)

Gene: FGFR2 (fibroblast growth factor receptor 2; minus strand). Cytogenetic location: 10q26.13.
Variant type: single nucleotide variant.
Coding change: c.469A>G on transcript NM_000141.5 (MANE Select); coding-DNA position 469, A replaced by G.
Protein change: p.Thr157Ala; replaces threonine 157 with alanine.
Molecular consequence: missense variant. On other transcripts: non-coding transcript variant (1).
Genome position (GRCh38, 1-based): chr10:121,551,445, T>C on the plus strand (A>G on the coding strand, the complement: FGFR2 is on the minus strand). VCF-style: chr10-121551445-T-C. GRCh37 (hg19) VCF-style: chr10-123310959-T-C.
Other names: c.469A>G, p.Thr157Ala (NM_001144913.1, NM_001144914.1, NM_001144917.2 and 2 more transcripts); c.202A>G, p.Thr68Ala (NM_001144915.2, NM_001144919.2, NM_023029.3); c.124A>G, p.Thr42Ala (NM_001144916.2, NM_001144918.2); short protein forms T68A, T157A, T42A.
Identifiers: ClinVar variation 1431541 (VCV001431541.10), dbSNP rs770169545, ClinGen allele CA5721113.

ClinVar aggregate classification (germline): Uncertain significance. Review status: criteria provided, multiple submitters, no conflicts (2 of 4 stars). 3 submissions from 3 submitters: Uncertain significance (3). Last evaluated 2024-10-30.

Conditions:
Inborn genetic diseases. Identifiers: MedGen C0950123, MeSH D030342.
FGFR2-related craniosynostosis. Identifiers: MedGen CN231480.

Allele frequency attached by ClinVar (database versions not stated): gnomAD exomes 0.00001 and 0.00005; TOPMed 0.00001; ExAC 0.00007.
gnomAD v4.1: 15 of 1,614,158 alleles (0.00093%); highest among the groups gnomAD compares: Admixed American, 0.023%; no homozygotes.

Submissions (3):

Labcorp Genetics (formerly Invitae), Labcorp
Classification: Uncertain significance for FGFR2-related craniosynostosis. Last evaluated: 2024-10-30. Review status: criteria provided, single submitter. Criteria: Invitae Variant Classification Sherloc (09022015). Collection method: clinical testing. Allele origin: germline.
Comment: This sequence change replaces threonine, which is neutral and polar, with alanine, which is neutral and non-polar, at codon 157 of the FGFR2 protein (p.Thr157Ala). This variant is present in population databases (rs770169545, gnomAD 0.03%). This variant has not been reported in the literature in individuals affected with FGFR2-related conditions. ClinVar contains an entry for this variant (Variation ID: 1431541). Invitae Evidence Modeling of protein sequence and biophysical properties (such as structural, functional, and spatial information, amino acid conservation, physicochemical variation, residue mobility, and thermodynamic stability) indicates that this missense variant is not expected to disrupt FGFR2 protein function with a negative predictive value of 80%. In summary, the available evidence is currently insufficient to determine the role of this variant in disease. Therefore, it has been classified as a Variant of Uncertain Significance.

GeneDx
Classification: Uncertain significance. Last evaluated: 2024-05-20. Review status: criteria provided, single submitter. Criteria: GeneDx Variant Classification Process June 2021. Collection method: clinical testing. Allele origin: germline. Affected: yes.
Comment: In silico analysis supports that this missense variant has a deleterious effect on protein structure/function; Has not been previously published as pathogenic or benign to our knowledge

Ambry Genetics
Classification: Uncertain significance for Inborn genetic diseases. Last evaluated: 2021-07-20. Review status: criteria provided, single submitter. Criteria: Ambry Variant Classification Scheme 2023. Collection method: clinical testing. Allele origin: germline.